The following is an entry in ClinVar:

NM_000287.4(PEX6):c.871C>T (p.Leu291Phe)

Gene: PEX6 (peroxisomal biogenesis factor 6; minus strand). Cytogenetic location: 6p21.1.
Variant type: single nucleotide variant.
Coding change: c.871C>T on transcript NM_000287.4 (MANE Select); coding-DNA position 871, C replaced by T.
Protein change: p.Leu291Phe; replaces leucine 291 with phenylalanine.
Molecular consequence: missense variant. On other transcripts: non-coding transcript variant (1), intron variant (1).
Genome position (GRCh38, 1-based): chr6:42,978,280, G>A on the plus strand (C>T on the coding strand, the complement: PEX6 is on the minus strand). VCF-style: chr6-42978280-G-A. GRCh37 (hg19) VCF-style: chr6-42946018-G-A.
Other names: c.618+253C>T (NM_001316313.2); short protein forms L291F.
Identifiers: ClinVar variation 2633173 (VCV002633173.1), dbSNP rs1162095870, ClinGen allele CA364161315.

ClinVar aggregate classification (germline): Uncertain significance (1 of 4 stars; one submission).

Conditions:
PEX6-related disorder. Also called: PEX6-related condition; PEX6-related disorders.

Submission:

PreventionGenetics, part of Exact Sciences
Classification: Uncertain significance for PEX6-related condition. Last evaluated: 2023-05-08. Review status: criteria provided, single submitter. Criteria: ACMG Guidelines, 2015. Collection method: clinical testing. Allele origin: germline.
Comment: The PEX6 c.871C>T variant is predicted to result in the amino acid substitution p.Leu291Phe. To our knowledge, this variant has not been reported in the literature or in a large population database, indicating this variant is rare. At this time, the clinical significance of this variant is uncertain due to the absence of conclusive functional and genetic evidence.